The following is an entry in ClinVar:

ClinVar aggregate classification (germline): Pathogenic/Likely pathogenic. Review status: criteria provided, multiple submitters, no conflicts (2 of 4 stars). 38 submissions from 34 submitters: Pathogenic (30); Likely pathogenic (1). 7 of the submissions do not count toward it. Last evaluated 2026-08-27.

Conditions:
Bardet-Biedl syndrome 14 (BBS14). Identifiers: Orphanet 110, MedGen C2673874, MONDO:0014442, OMIM 615991.
Meckel syndrome, type 4 (MKS4). Also called: MECKEL-GRUBER SYNDROME, TYPE 4. Identifiers: Orphanet 564, MedGen C1970161, MONDO:0012626, OMIM 611134.
Senior-Loken syndrome 6 (SLSN6). Identifiers: Orphanet 3156, MedGen C1857779, MONDO:0012433, OMIM 610189.
Joubert syndrome 5 (JBTS5). Identifiers: Orphanet 2318, MedGen C1857780, MONDO:0012432, OMIM 610188.
CEP290-related disorder. Also called: CEP290-related disorders; CEP290-related condition. Identifiers: MedGen CN239314.
Joubert syndrome. Also called: JOUBERT-BOLTSHAUSER SYNDROME; Familial aplasia of the vermis. Identifiers: Orphanet 475, MedGen C5979921, MONDO:0018772.
Meckel-Gruber syndrome. Also called: DYSENCEPHALIA SPLANCHNOCYSTICA; Dysencephalia splachnocystica; GRUBER SYNDROME. Identifiers: Orphanet 564, MedGen C0265215, MONDO:0018921.
Nephronophthisis. Also called: Juvenile Nephronophthisis. Identifiers: Orphanet 655, MedGen C0687120, MONDO:0019005, HP:0000090.
Leber congenital amaurosis 10 (LCA10). Identifiers: Orphanet 65, MedGen C1857821, MONDO:0012723, OMIM 611755.
Retinal dystrophy. Also called: Inherited retinal dystrophy. Identifiers: Orphanet 71862, MedGen C0854723, MeSH D058499, MONDO:0019118, HP:0000556.
Retinitis pigmentosa (RP). Identifiers: Orphanet 791, MedGen C0035334, MeSH D012174, MONDO:0019200, OMIM 268000. Inheritance: Autosomal dominant, autosomal recessive and X linked inheritance.
Leber congenital amaurosis (LCA). Also called: Leber's amaurosis. Identifiers: Orphanet 65, MedGen C0339527, MeSH D057130, MONDO:0018998.
COG7 congenital disorder of glycosylation (CDG2E). Also called: CONGENITAL DISORDER OF GLYCOSYLATION, TYPE IIe; CDG IIe. Identifiers: Orphanet 79333, MedGen C2931010, MONDO:0012118, OMIM 608779.
Abnormality of the nervous system. Also called: Congenital nervous system disorder. Identifiers: MedGen C0497552, MONDO:0002320, HP:0000707.
Meckel syndrome, type 6. Identifiers: Orphanet 564, MedGen C2676790, MONDO:0012848, OMIM 612284.

Allele frequency attached by ClinVar (database versions not stated): ExAC 0.00014; 1000 Genomes Project 0.00020; TOPMed 0.00004; gnomAD 0.00006; gnomAD exomes 0.00015 and 0.00009; 1000 Genomes Project 30x 0.00016.
gnomAD v4.1: 217 of 1,605,376 alleles (0.014%); highest among the groups gnomAD compares: South Asian, 0.021%; no homozygotes.

Submissions 1 to 13 of 38:

PreventionGenetics, part of Exact Sciences
Classification: Pathogenic for CEP290-related condition. Last evaluated: 2026-08-27. Review status: criteria provided, single submitter. Criteria: ACMG Guidelines, 2015. Collection method: clinical testing. Allele origin: germline.
Comment: The CEP290 c.5668G>T variant is predicted to result in premature protein termination (p.Gly1890*). This variant is one of the most common pathogenic variants detected in CEP290 and has been documented as causative for Joubert syndrome (Sayer et al. 2006. PubMed ID: 16682973; Valente et al. 2006. PubMed ID: 16682970; Brancati et al. 2007. PubMed ID: 17564967; Bachmann-Gagescu et al. 2015. PubMed ID: 26092869). Different chain-terminating variants in CEP290 have been reported in patients with Meckel-Gruber syndrome (Baala et al. 2007. PubMed ID: 17564974; Frank et al. 2008. PubMed ID: 17705300) and Bardet-Biedl syndrome (Leitch et al. 2008. PubMed ID: 18327255). This variant is reported in 0.020% of alleles in individuals of South Asian descent in gnomAD. Nonsense variants in CEP290 are expected to be pathogenic, and this variant has been classified as pathogenic in ClinVar (ID: 1333). Given all the evidence, we interpret c.5668G>T (p.Gly1890*) as pathogenic.

Labcorp Genetics (formerly Invitae), Labcorp
Classification: Pathogenic for Joubert syndrome; Meckel-Gruber syndrome; Nephronophthisis. Last evaluated: 2026-01-19. Review status: criteria provided, single submitter. Criteria: Invitae Variant Classification Sherloc (09022015). Collection method: clinical testing. Allele origin: germline.
Comment: This sequence change creates a premature translational stop signal (p.Gly1890*) in the CEP290 gene. It is expected to result in an absent or disrupted protein product. Loss-of-function variants in CEP290 are known to be pathogenic (PMID: 16909394, 17345604, 20690115). This variant is present in population databases (rs137852832, gnomAD 0.02%). This premature translational stop signal has been observed in individual(s) with Joubert syndrome, Leber congenital amaurosis, and/or retinitis pigmentosa (PMID: 16682970, 16682973, 17564967, 21068128, 21245082, 22355252, 22693042, 23591405, 23954617, 25818971, 26092869, 27353947). It has also been observed to segregate with disease in related individuals. ClinVar contains an entry for this variant (Variation ID: 1333). For these reasons, this variant has been classified as Pathogenic.

3billion
Classification: Pathogenic for Meckel syndrome, type 4. Last evaluated: 2025-09-12. Review status: criteria provided, single submitter. Criteria: ACMG Guidelines, 2015. Collection method: clinical testing. Allele origin: germline. Affected: yes.
Comment: The variant is observed at an extremely low frequency in the gnomAD v4.1.0 dataset (total allele frequency: 0.014%). Predicted Consequence/Location: Stop-gained (nonsense): predicted to result in a loss or disruption of normal protein function through nonsense-mediated decay (NMD) or protein truncation. Multiple pathogenic variants are reported downstream of the variant. The variant has been reported at least twice as pathogenic with clinical assertions and evidence for the classification (ClinVar ID: VCV000001333 /PMID: 16682973 /3billion dataset). Therefore, this variant is classified as Pathogenic according to the recommendation of ACMG/AMP guideline.

Daryl Scott Lab, Baylor College of Medicine
Classification: Pathogenic for CEP290-related disorder. Last evaluated: 2025-08-25. Review status: criteria provided, single submitter. Criteria: ACMG Guidelines, 2015. Collection method: clinical testing. Allele origin: biparental. Affected: yes.
Comment: PVS1, PS4

Natera, Inc.
Classification: Pathogenic for Leber congenital amaurosis. Last evaluated: 2025-06-23. Review status: criteria provided, single submitter. Criteria: Natera Variant Classification Schema (03/2026). Collection method: clinical testing. Allele origin: germline.
Comment: The c.5668G>T variant in CEP290 is a nonsense variant predicted to introduce a stop codon at amino acid 1890. This variant is expected to result in nonsense mediated decay, truncation, or a dysfunctional protein product. This variant is rare in the general population with a frequency below the threshold expected for the associated phenotype(s). This variant has been observed in one or more individuals affected with the associated recessive disease, as either homozygous or compound heterozygous with a second variant (PMID: 22355252). Given the available evidence, this variant is classified as Pathogenic.

First Genomix Gene Laboratory, Genetic Diagnostics Department
Classification: Pathogenic for Bardet-Biedl syndrome 14; Joubert syndrome 5; Leber congenital amaurosis 10; Meckel syndrome, type 4; Senior-Loken syndrome 6. Last evaluated: 2025-03-26. Review status: criteria provided, single submitter. Criteria: ACMG Guidelines, 2015. Collection method: clinical testing. Allele origin: germline. Inheritance: Autosomal recessive inheritance. Affected: no. Observed: 1 variant allele.

Genomic Medicine Center of Excellence, King Faisal Specialist Hospital and Research Centre
Classification: Pathogenic for Leber congenital amaurosis 10. Last evaluated: 2024-12-17. Review status: criteria provided, single submitter. Criteria: ACMG Guidelines, 2015. Collection method: clinical testing. Allele origin: germline.

Blueprint Genetics
Classification: Pathogenic for CEP290-related disorders. Last evaluated: 2024-10-30. Review status: criteria provided, single submitter. Criteria: ACMG Guidelines, 2015. Collection method: clinical testing. Allele origin: germline. Affected: yes. Observed: 5 variant alleles.

Dubai Health Genomic Medicine Center, Dubai Health
Classification: Pathogenic for Leber congenital amaurosis 10. Last evaluated: 2024-10-04. Review status: criteria provided, single submitter. Criteria: ACMG Guidelines, 2015. Collection method: research. Allele origin: germline. Affected: yes.
Comment: PVS1,PM3(strong),PM2

Fulgent Genetics
Classification: Pathogenic for Joubert syndrome 5; Senior-Loken syndrome 6; Meckel syndrome, type 4; Leber congenital amaurosis 10; Bardet-Biedl syndrome 14. Last evaluated: 2024-05-18. Review status: criteria provided, single submitter. Criteria: ACMG Guidelines, 2015. Collection method: clinical testing. Allele origin: germline.

Baylor Genetics
Classification: Pathogenic for Bardet-Biedl syndrome 14. Last evaluated: 2024-03-28. Review status: criteria provided, single submitter. Criteria: ACMG Guidelines, 2015. Collection method: clinical testing. Allele origin: unknown.

Institute of Medical Genetics and Genomics, Sir Ganga Ram Hospital
Classification: Pathogenic for Joubert syndrome 5. Last evaluated: 2023-10-19. Review status: criteria provided, single submitter. Criteria: ACMG Guidelines, 2015. Collection method: clinical testing. Allele origin: germline. Inheritance: Autosomal recessive inheritance. Affected: yes. Observed: 1 homozygote.
Comment: MRI Brain revealed Molar Tooth sign suggestive of Joubert Syndrome. This nucleotide change has an allele frequency of 0.0098% in gnomAD aggregate database [PM2], In-silico prediction tools [MutationTaster] predict a deleterious nature of this variant. This variant is submitted to clinvar database multiple times with an interpretation "Pathogenic/Likely Pathogenic". Clinvar variation id [1333] [PP5]. PMID [26092869] Based on the available evidences and the clinical phenotype in our case, this variant is classified as "Pathogenic".

Revvity Omics, Revvity
Classification: Pathogenic. Last evaluated: 2023-07-19. Review status: criteria provided, single submitter. Criteria: ACMG Guidelines, 2015. Collection method: clinical testing. Allele origin: germline.

NM_025114.4(CEP290):c.5668G>T (p.Gly1890Ter)

Gene: CEP290 (centrosomal protein 290; minus strand). Cytogenetic location: 12q21.32.
Variant type: single nucleotide variant.
Coding change: c.5668G>T on transcript NM_025114.4 (MANE Select); coding-DNA position 5668, G replaced by T.
Protein change: p.Gly1890Ter; replaces glycine 1890 with a stop codon.
Molecular consequence: nonsense.
Genome position (GRCh38, 1-based): chr12:88,077,263, C>A on the plus strand (G>T on the coding strand, the complement: CEP290 is on the minus strand). VCF-style: chr12-88077263-C-A. GRCh37 (hg19) VCF-style: chr12-88471040-C-A.
Other names: c.[5668G>T] (NM_025114.3); short protein forms G1890*.
Identifiers: ClinVar variation 1333 (VCV000001333.82), dbSNP rs137852832, ClinGen allele CA150917.
Genomic context (GRCh38, chr12:88,077,263, plus strand): 5'-AGTATGTTTCTTCACATACCTTTTCTTTCATAGGTTTTAGGTCTACTTCCTCCACCTTTC[C>A]CTCTAATTGGTTCTCTAGTTTTTTAACTTTCCTTTGGAGTTCTTCAATTAGACTTTGTTT-3'